The following is an entry in ClinVar:

ClinVar aggregate classification (germline): Uncertain significance. Review status: criteria provided, multiple submitters, no conflicts (2 of 4 stars). 2 submissions from 2 submitters: Uncertain significance (2). Last evaluated 2025-12-10.

Conditions:
Inborn genetic diseases. Identifiers: MedGen C0950123, MeSH D030342.

Allele frequency attached by ClinVar (database versions not stated): ExAC 0.00004; gnomAD 0.00003; TOPMed 0.00005; gnomAD exomes 0.00004.
gnomAD v4.1: 59 of 1,614,006 alleles (0.0037%); highest among the groups gnomAD compares: Admixed American, 0.055%; no homozygotes.

Submissions (2):

Ambry Genetics
Classification: Uncertain significance for Inborn genetic diseases. Last evaluated: 2025-12-10. Review status: criteria provided, single submitter. Criteria: Ambry Variant Classification Scheme 2023. Collection method: clinical testing. Allele origin: germline.

Labcorp Genetics (formerly Invitae), Labcorp
Classification: Uncertain significance. Last evaluated: 2022-07-30. Review status: criteria provided, single submitter. Criteria: Invitae Variant Classification Sherloc (09022015). Collection method: clinical testing. Allele origin: germline.
Comment: This sequence change replaces valine, which is neutral and non-polar, with methionine, which is neutral and non-polar, at codon 3577 of the DNAH9 protein (p.Val3577Met). This variant is present in population databases (rs771490376, gnomAD 0.07%). This variant has not been reported in the literature in individuals affected with DNAH9-related conditions. Algorithms developed to predict the effect of missense changes on protein structure and function are either unavailable or do not agree on the potential impact of this missense change (SIFT: "Deleterious"; PolyPhen-2: "Probably Damaging"; Align-GVGD: "Class C0"). In summary, the available evidence is currently insufficient to determine the role of this variant in disease. Therefore, it has been classified as a Variant of Uncertain Significance.

NM_001372.4(DNAH9):c.10729G>A (p.Val3577Met)

Genes: DNAH9 (dynein axonemal heavy chain 9; plus strand), LOC101928350 (uncharacterized LOC101928350; minus strand). Cytogenetic location: 17p12.
Variant type: single nucleotide variant.
Coding change: c.10729G>A on transcript NM_001372.4 (MANE Select); coding-DNA position 10729, G replaced by A.
Protein change: p.Val3577Met; replaces valine 3577 with methionine.
Molecular consequence: missense variant.
Genome position (GRCh38, 1-based): chr17:11,881,336, G>A. VCF-style: chr17-11881336-G-A. GRCh37 (hg19) VCF-style: chr17-11784653-G-A.
Other names: c.10729G>A (NM_001372.3); short protein forms V3577M.
Identifiers: ClinVar variation 2177020 (VCV002177020.2), dbSNP rs771490376, ClinGen allele CA8397618.